The following is an entry in ClinVar:

NM_058216.3(RAD51C):c.404G>A (p.Cys135Tyr)

Gene: RAD51C (RAD51 paralog C; plus strand). Cytogenetic location: 17q22.
Variant type: single nucleotide variant.
Coding change: c.404G>A on transcript NM_058216.3 (MANE Select); coding-DNA position 404, G replaced by A.
Protein change: p.Cys135Tyr; replaces cysteine 135 with tyrosine.
Molecular consequence: missense variant. On other transcripts: nonsense (1), non-coding transcript variant (2).
Genome position (GRCh38, 1-based): chr17:58,695,189, G>A. VCF-style: chr17-58695189-G-A. GRCh37 (hg19) VCF-style: chr17-56772550-G-A.
Other names: c.404G>A, p.Trp135Ter (NM_002876.4); short protein forms C135Y, W135*.
Identifiers: ClinVar variation 234175 (VCV000234175.37), dbSNP rs767796996, ClinGen allele CA8677207.
Genomic context (GRCh38, chr17:58,695,189, plus strand): 5'-TGCCCTTAATGAAAACAACAGAAATTTGTGGTGCACCAGGTGTTGGAAAAACACAATTAT[G>A]GTAAAATAAAGTGTTCTCCTTTTAAGGGTGGGTTTAATAACATATTATGAAAGTAGTATT-3'
Protein context (NP_478123.1, residues 125-145): GAPGVGKTQL[Cys135Tyr]MQLAVDVQIP

ClinVar aggregate classification (germline): Pathogenic/Likely pathogenic. Review status: criteria provided, multiple submitters, no conflicts (2 of 4 stars). 14 submissions from 14 submitters: Pathogenic (5); Likely pathogenic (9). Last evaluated 2026-02-13.

Conditions:
RAD51C-related disorder. Also called: RAD51C-related disorders; RAD51C-related condition.
Hereditary cancer-predisposing syndrome. Also called: Neoplastic Syndromes, Hereditary; Hereditary Cancer Syndrome; Tumor predisposition; Hereditary neoplastic syndrome. Identifiers: Orphanet 140162, MedGen C0027672, MeSH D009386, MONDO:0015356.
Hereditary breast ovarian cancer syndrome. Also called: Breast and ovarian cancer; BRCA1- and BRCA2-Associated Hereditary Breast and Ovarian Cancer; Hereditary breast and ovarian cancer syndrome; Hereditary breast and ovarian cancer syndrome (HBOC); Hereditary breast and/or ovarian cancer syndrome; Hereditary breast and ovarian cancer. Identifiers: Orphanet 145, MedGen C0677776, MeSH D061325, MONDO:0003582. Disease mechanism: loss of function.
Fanconi anemia complementation group O. Also called: RAD51C-Related Fanconi Anemia. Identifiers: Orphanet 84, MedGen C3150653, MONDO:0013248, OMIM 613390.
Breast-ovarian cancer, familial, susceptibility to, 3. Also called: RAD51C-Related Breast/Ovarian Cancer. Identifiers: Orphanet 145, MedGen C3150659, MONDO:0013253, OMIM 613399.

Allele frequency attached by ClinVar (database versions not stated): gnomAD exomes below 0.00001; ExAC 0.00001; TOPMed 0.00002.
gnomAD v4.1: 2 of 1,609,470 alleles (0.00012%); highest among the groups gnomAD compares: Non-Finnish European, 0.00017%; no homozygotes.

Submissions 1 to 8 of 14:

Dasa
Classification: Likely pathogenic. Last evaluated: 2026-02-13. Review status: criteria provided, single submitter. Criteria: DASA Assertion Criteria. Collection method: clinical testing. Allele origin: germline.
Comment: NM_002876.4(RAD51C):c.404G>A (p.Trp135*) is a nonsense variant in RAD51C predicted to introduce a premature termination codon. Loss of function is an established disease mechanism for RAD51C (PMID: 21990120; PMID: 24800917; PMID: 20400964). This variant has been reported in individuals with RAD51C-related disorders. Functional evidence supports an impact on the gene or gene product. Also, this variant is rare in population databases. Computational evidence supports a deleterious effect. Based on the currently available evidence, this variant is classified as likely pathogenic.

Labcorp Genetics (formerly Invitae), Labcorp
Classification: Pathogenic for Fanconi anemia complementation group O. Last evaluated: 2025-12-16. Review status: criteria provided, single submitter. Criteria: Invitae Variant Classification Sherloc (09022015). Collection method: clinical testing. Allele origin: germline.
Comment: This sequence change replaces cysteine, which is neutral and slightly polar, with tyrosine, which is neutral and polar, at codon 135 of the RAD51C protein (p.Cys135Tyr). RNA analysis indicates that this missense change induces altered splicing and may result in an absent or altered protein product. This variant is present in population databases (rs767796996, gnomAD 0.0009%). This missense change has been observed in individual(s) with breast and/or ovarian cancer (PMID: 22451500, 29409816, 33011440). ClinVar contains an entry for this variant (Variation ID: 234175). An algorithm developed to predict the effect of missense changes on protein structure and function (PolyPhen-2) suggests that this variant is likely to be disruptive. Experimental studies have shown that this missense change affects RAD51C function (PMID: 22451500). Variants that disrupt the consensus splice site are a relatively common cause of aberrant splicing (PMID: 17576681, 9536098). Studies have shown that this missense change alters mRNA splicing and is expected to lead to the loss of protein expression (PMID: 33011440, 33333735; internal data). This variant disrupts the c.404G nucleotide in the RAD51C gene. Other variant(s) that disrupt this nucleotide have been determined to be pathogenic (PMID: 27622768; internal data). This suggests that this nucleotide is clinically significant, and that variants that disrupt this position are likely to be disease-causing. For these reasons, this variant has been classified as Pathogenic.

Quest Diagnostics Nichols Institute San Juan Capistrano
Classification: Pathogenic. Last evaluated: 2025-09-16. Review status: criteria provided, single submitter. Criteria: Quest Diagnostics criteria. Collection method: clinical testing. Allele origin: unknown.
Comment: The RAD51C c.404G>A (p.Cys135Tyr) variant has been reported in the published literature in individuals and/or families with breast and/or ovarian cancer (PMIDs: 22451500 (2012), 29409816 (2018), 35039523 (2022), and 35264596 (2022)). It has also been described in individuals with breast, ovarian, and thyroid cancer (PMID: 31125277 (2019), as well as in individuals with breast, ovarian, and kidney cancer (PMID: 33011440 (2020)). Functional studies demonstrated that this variant is damaging to protein function as well as produces abnormal splicing (PMIDs: 22451500 (2012), 33011440 (2020), 33333735 (2020), 36099300 (2022), and 37253112 (2023)). The frequency of this variant in the general population (Genome Aggregation Database) is uninformative in the assessment of its pathogenicity. Analysis of this variant using bioinformatics tools for the prediction of the effect of amino acid changes on protein structure and function yielded predictions that this variant is damaging. Additional analysis using software algorithms for the prediction of the effect of nucleotide changes on splicing yielded predictions that this variant may affect proper RAD51C mRNA splicing. Based on the available information, this variant is classified as pathogenic.

Ambry Genetics
Classification: Likely pathogenic for Hereditary cancer-predisposing syndrome. Last evaluated: 2025-03-18. Review status: criteria provided, single submitter. Criteria: Ambry Variant Classification Scheme 2023. Collection method: clinical testing. Allele origin: germline.
Comment: The c.404G>A variant (also known as p.C135Y), located in coding exon 2 of the RAD51C gene, results from a G to A substitution at nucleotide position 404. The amino acid change results in cysteine to tyrosine at codon 135, an amino acid with highly dissimilar properties. However, this change occurs in the last base pair of coding exon 2, which makes it likely to have some effect on normal mRNA splicing. This variant has been reported in multiple individuals diagnosed with breast and/or ovarian cancer (Osorio A et al. Hum. Mol. Genet. 2012 Jul;21(13):2889-98; S&aacute;nchez-Berm&uacute;dez AI et al. Eur J Med Genet. 2018 Jun;61(6):355-361; Dorling et al. N Engl J Med. 2021 02;384:428-439; Guindalini RSC et al. Sci Rep, 2022 Mar;12:4190). This nucleotide position is highly conserved in available vertebrate species. In silico splice site analysis predicts that this alteration will weaken the native splice donor site. RNA studies have demonstrated that this alteration results in abnormal splicing in the set of samples tested (Ambry internal data). RNA analyses on another similar variant at the same nucleotide position, p.C135S (c.404G>C), has shown the introduction of a new premature stop codon into the coding sequence (Neidhardt G et al. Eur. J. Cancer Prev. 2017 Mar;26:165-169, Ambry internal data). This nucleotide position is highly conserved in available vertebrate species. In silico splice site analysis predicts that this alteration will weaken the native splice donor site and may result in the creation or strengthening of a novel splice donor site. Based on the majority of available evidence to date, this variant is likely to be pathogenic.

Color Diagnostics, LLC DBA Color Health
Classification: Pathogenic for Hereditary cancer-predisposing syndrome. Last evaluated: 2024-06-03. Review status: criteria provided, single submitter. Criteria: ACMG Guidelines, 2015. Collection method: clinical testing. Allele origin: germline.
Comment: This variant causes a G to A nucleotide substitution at the last nucleotide of exon 2 of the RAD51C gene and replaces cysteine with tyrosine at codon 135 of the RAD51C protein. Computational prediction suggests that this variant may have deleterious impact on protein structure and function. Functional studies have shown that this variant has a deleterious impact on homologous recombination, protein stability, interactions with RAD51 paralogs (RAD51D, RAD51B, XRCC3), protein complex formation, drug response (olaparib and cisplatin), and RAD51 foci formation (PMID: 22451500, 36099300, 37253112, 37843130). Furthermore, RNA studies on patient-derived cellular RNA and in minigene splicing assay have also found that this variant causes the partial retention of the first 27 nucleotides of intron 2, introducing a premature termination codon (PMID: 33011440, 33333735). The aberrant transcript is expected to result in an absent or non-functional protein product. This variant has been reported in individuals affected with ovarian cancer and/or breast cancer (PMID: 22451500, 29409816, 31125277, 33011440, 33471991, 35039523, 35264596, 36099300). This variant has been identified in 1/246764 chromosomes in the general population by the Genome Aggregation Database (gnomAD). Loss of RAD51C function is a known mechanism of disease. Based on the available evidence, this variant is classified as Pathogenic.

Myriad Genetics, Inc.
Classification: Likely pathogenic for Breast-ovarian cancer, familial, susceptibility to, 3. Last evaluated: 2024-01-02. Review status: criteria provided, single submitter. Criteria: Myriad Autosomal Dominant, Autosomal Recessive and X-Linked Classification Criteria (2023). Collection method: clinical testing. Allele origin: unknown.
Comment: This variant is considered likely pathogenic. mRNA analysis has demonstrated abnormal mRNA splicing occurs [PMID: 33011440].

Baylor Genetics
Classification: Likely pathogenic for Breast-ovarian cancer, familial, susceptibility to, 3. Last evaluated: 2023-11-10. Review status: criteria provided, single submitter. Criteria: ACMG Guidelines, 2015. Collection method: clinical testing. Allele origin: unknown.

Blueprint Genetics
Classification: Likely pathogenic for RAD51C-related disorders. Last evaluated: 2023-09-16. Review status: criteria provided, single submitter. Criteria: ACMG Guidelines, 2015. Collection method: clinical testing. Allele origin: germline. Affected: yes. Observed: 2 variant alleles.